The following is an entry in ClinVar:

ClinVar aggregate classification (germline): Pathogenic (1 of 4 stars; one submission).

Conditions:
X-linked immunodeficiency with magnesium defect, Epstein-Barr virus infection and neoplasia. Identifiers: Orphanet 317476, MedGen C3275445, MONDO:0010455, OMIM 300853.

Submission:

Labcorp Genetics (formerly Invitae), Labcorp
Classification: Pathogenic for X-linked immunodeficiency with magnesium defect, Epstein-Barr virus infection and neoplasia. Last evaluated: 2018-09-06. Review status: criteria provided, single submitter. Criteria: Invitae Variant Classification Sherloc (09022015). Collection method: clinical testing. Allele origin: germline.
Comment: Loss-of-function variants in MAGT1 are known to be pathogenic (PMID: 24550228). For these reasons, this variant has been classified as Pathogenic. This variant has not been reported in the literature in individuals with MAGT1-related disease. This variant is not present in population databases (ExAC no frequency). This sequence change creates a premature translational stop signal (p.Phe246Leufs*18) in the MAGT1 gene. It is expected to result in an absent or disrupted protein product.

Literature cited by the submitters: PubMed 24550228.

NM_001367916.1(MAGT1):c.641_642insGA (p.Phe214fs)

Gene: MAGT1 (magnesium transporter 1; minus strand). Cytogenetic location: Xq21.1.
Variant type: Insertion.
Coding change: c.641_642insGA on transcript NM_001367916.1 (MANE Select); coding-DNA positions 641 to 642, GA inserted.
Protein change: p.Phe214fs; shifts the reading frame from phenylalanine 214.
Molecular consequence: frameshift variant.
Genome position: GRCh38 VCF-style: chrX-77856763-A-ATC. GRCh37 (hg19) VCF-style: chrX-77112260-A-ATC.
Other names: c.737_738insGA, p.Phe246fs (LRG_353t1, NM_032121.5); short protein forms F246fs, F214fs.
Identifiers: ClinVar variation 649134 (VCV000649134.8), dbSNP rs1603361729, ClinGen allele CA915951246.